The following is an entry in ClinVar:

ClinVar aggregate classification (germline): Uncertain significance (1 of 4 stars; one submission).

Conditions:
Hereditary cancer-predisposing syndrome. Also called: Neoplastic Syndromes, Hereditary; Tumor predisposition; Hereditary neoplastic syndrome; Hereditary Cancer Syndrome. Identifiers: Orphanet 140162, MedGen C0027672, MeSH D009386, MONDO:0015356.

Submission:

Ambry Genetics
Classification: Uncertain significance for Hereditary cancer-predisposing syndrome. Last evaluated: 2022-11-10. Review status: criteria provided, single submitter. Criteria: Ambry Variant Classification Scheme 2023. Collection method: clinical testing. Allele origin: germline.
Comment: The p.G896V variant (also known as c.2687G>T), located in coding exon 11 of the MET gene, results from a G to T substitution at nucleotide position 2687. The glycine at codon 896 is replaced by valine, an amino acid with dissimilar properties. This amino acid position is conserved. In addition, this alteration is predicted to be deleterious by in silico analysis. Since supporting evidence is limited at this time, the clinical significance of this alteration remains unclear.

NM_000245.4(MET):c.2633G>T (p.Gly878Val)

Gene: MET (MET proto-oncogene, receptor tyrosine kinase; plus strand). Cytogenetic location: 7q31.2.
Variant type: single nucleotide variant.
Coding change: c.2633G>T on transcript NM_000245.4 (MANE Select); coding-DNA position 2633, G replaced by T.
Protein change: p.Gly878Val; replaces glycine 878 with valine.
Molecular consequence: missense variant.
Genome position (GRCh38, 1-based): chr7:116,769,694, G>T. VCF-style: chr7-116769694-G-T. GRCh37 (hg19) VCF-style: chr7-116409748-G-T.
Other names: c.2687G>T, p.Gly896Val (NM_001127500.3); c.2633G>T, p.Gly878Val (NM_001324401.3); c.1343G>T, p.Gly448Val (NM_001324402.2); short protein forms G448V, G896V, G878V.
Identifiers: ClinVar variation 2453378 (VCV002453378.2), dbSNP rs2116983232, ClinGen allele CA368985470.
Genomic context (GRCh38, chr7:116,769,694, plus strand): 5'-TTTCCTTTCAGGGAAATGATATTGACCCTGAAGCAGTTAAAGGTGAAGTGTTAAAAGTTG[G>T]AAATAAGAGCTGTGAGAATATACACTTACATTCTGAAGCCGTTTTATGCACGGTCCCCAA-3'
Protein context (NP_000236.2, residues 868-888): EAVKGEVLKV[Gly878Val]NKSCENIHLH